The following is an entry in ClinVar:

NM_033380.3(COL4A5):c.141+2T>C

Gene: COL4A5 (collagen type IV alpha 5 chain; plus strand). Cytogenetic location: Xq22.3.
Variant type: single nucleotide variant.
Coding change: c.141+2T>C on transcript NM_033380.3 (MANE Select); the canonical splice donor site of the intron after coding-DNA position 141, T replaced by C.
Molecular consequence: splice donor variant.
Genome position (GRCh38, 1-based): chrX:108,539,807, T>C. VCF-style: chrX-108539807-T-C. GRCh37 (hg19) VCF-style: chrX-107783037-T-C.
Other names: c.141+2T>C (NM_000495.5).
Identifiers: ClinVar variation 1392439 (VCV001392439.8), dbSNP rs2147657763, ClinGen allele CA413908941.

ClinVar aggregate classification (germline): Pathogenic (1 of 4 stars; one submission).

Submission:

Labcorp Genetics (formerly Invitae), Labcorp
Classification: Pathogenic. Last evaluated: 2025-03-18. Review status: criteria provided, single submitter. Criteria: Invitae Variant Classification Sherloc (09022015). Collection method: clinical testing. Allele origin: germline.
Comment: This sequence change affects a donor splice site in intron 2 of the COL4A5 gene. It is expected to disrupt RNA splicing. Variants that disrupt the donor or acceptor splice site typically lead to a loss of protein function (PMID: 16199547), and loss-of-function variants in COL4A5 are known to be pathogenic (PMID: 9195222, 10752524, 14514738, 24854265, 26809805). This variant is not present in population databases (gnomAD no frequency). Disruption of this splice site has been observed in individual(s) with Alport syndrome (PMID: 30002862). In at least one individual the variant was observed to be de novo. ClinVar contains an entry for this variant (Variation ID: 1392439). Algorithms developed to predict the effect of sequence changes on RNA splicing suggest that this variant may disrupt the consensus splice site. For these reasons, this variant has been classified as Pathogenic.

Literature cited by the submitters: PubMed 16199547; PubMed 9195222; PubMed 10752524; PubMed 14514738; PubMed 24854265; PubMed 26809805; PubMed 30002862.